The following is an entry in ClinVar:

NM_017654.4(SAMD9):c.3215T>C (p.Leu1072Pro)

Gene: SAMD9 (sterile alpha motif domain containing 9; minus strand). Cytogenetic location: 7q21.2.
Variant type: single nucleotide variant.
Coding change: c.3215T>C on transcript NM_017654.4 (MANE Select); coding-DNA position 3215, T replaced by C.
Protein change: p.Leu1072Pro; replaces leucine 1072 with proline.
Molecular consequence: missense variant.
Genome position (GRCh38, 1-based): chr7:93,102,883, A>G on the plus strand (T>C on the coding strand, the complement: SAMD9 is on the minus strand). VCF-style: chr7-93102883-A-G. GRCh37 (hg19) VCF-style: chr7-92732196-A-G.
Other names: c.3215T>C, p.Leu1072Pro (NM_001193307.2); short protein forms L1072P.
Identifiers: ClinVar variation 732863 (VCV000732863.19), dbSNP rs144312575, ClinGen allele CA4342729.
Genomic context (GRCh38, chr7:93,102,883, plus strand): 5'-AAATGTCTTGCCAACGCTTGGCAAATGAATGCATTTGGGTTGAACCGATGGATACTTTCA[A>G]GCAATACAGCTTCAACTGCTTCATTTCCTTCATCTTTATGTAATGCTTCAATAAATGGGG-3'
Protein context (NP_060124.2, residues 1062-1082): EGNEAVEAVL[Leu1072Pro]ESIHRFNPNA

ClinVar aggregate classification (germline): Conflicting classifications of pathogenicity. Review status: criteria provided, conflicting classifications (1 of 4 stars). 4 submissions from 4 submitters: Uncertain significance (3); Likely benign (1). Last evaluated 2026-09-01.

Conditions:
Normophosphatemic familial tumoral calcinosis. Also called: CALCINOSIS, TUMORAL, WITH NORMOPHOSPHATEMIA. Identifiers: Orphanet 306658, Orphanet 53715, MedGen C1864861, MONDO:0012502, OMIM 610455.

Allele frequency attached by ClinVar (database versions not stated): gnomAD 0.00009 and 0.00010; TOPMed 0.00009; ExAC 0.00013; gnomAD exomes 0.00014 and 0.00021; ESP Exome Variant Server 0.00023.

Submissions (4):

Myriad Genetics, Inc.
Classification: Uncertain significance for Normophosphatemic familial tumoral calcinosis. Last evaluated: 2026-09-01. Review status: criteria provided, single submitter. Criteria: Myriad Autosomal Dominant, Autosomal Recessive and X-Linked Classification Criteria (2023). Collection method: clinical testing. Allele origin: unknown.
Comment: NM_017654.3(SAMD9):c.3215T>C(L1072P) is a missense variant classified as a variant of uncertain significance in the context of normophosphatemic familial tumoral calcinosis. L1072P has not been observed in cases with relevant disease. Relevant functional assessments of this variant are not available in the literature. L1072P has been observed in referenced population frequency databases. In summary, there is insufficient evidence to classify NM_017654.3(SAMD9):c.3215T>C(L1072P) as pathogenic or benign. Please note: this variant was assessed in the context of healthy population screening.

Labcorp Genetics (formerly Invitae), Labcorp
Classification: Likely benign. Last evaluated: 2025-10-26. Review status: criteria provided, single submitter. Criteria: Invitae Variant Classification Sherloc (09022015). Collection method: clinical testing. Allele origin: germline.

GeneDx
Classification: Uncertain significance. Last evaluated: 2023-12-26. Review status: criteria provided, single submitter. Criteria: GeneDx Variant Classification Process June 2021. Collection method: clinical testing. Allele origin: germline. Affected: yes.
Comment: In silico analysis supports that this missense variant does not alter protein structure/function; Has not been previously published as pathogenic or benign to our knowledge; This variant is associated with the following publications: (PMID: 28545555)

Genetic Services Laboratory, University of Chicago
Classification: Uncertain significance. Last evaluated: 2021-08-24. Review status: criteria provided, single submitter. Criteria: ACMG Guidelines, 2015. Collection method: clinical testing. Allele origin: germline. Affected: no.
Comment: DNA sequence analysis of the SAMD9 gene demonstrated a sequence change, c.3215T>C, in exon 3 that results in an amino acid change, p.Leu1072Pro. This sequence change has been described in the gnomAD database with a frequency of 0.026% in non-Finnish European subpopulation (dbSNP rs144312575). The p.Leu1072Pro change affects a poorly conserved amino acid residue located in a domain of the SAMD9 protein that is not known to be functional. The p.Leu1072Pro substitution appears to be benign using several in-silico pathogenicity prediction tools (SIFT, PolyPhen2, Align GVGD, REVEL).This sequence change does not appear to have been previously described in individuals with SAMD9-related disorders. Due to insufficient evidences and the lack of functional studies, the clinical significance of the p.Leu1072Pro change remains unknown at this time.